The following is an entry in ClinVar:

NM_006059.4(LAMC3):c.4722G>T (p.Trp1574Cys)

Gene: LAMC3 (laminin subunit gamma 3; plus strand). Cytogenetic location: 9q34.12.
Variant type: single nucleotide variant.
Coding change: c.4722G>T on transcript NM_006059.4 (MANE Select); coding-DNA position 4722, G replaced by T.
Protein change: p.Trp1574Cys; replaces tryptophan 1574 with cysteine.
Molecular consequence: missense variant.
Genome position (GRCh38, 1-based): chr9:131,091,781, G>T. VCF-style: chr9-131091781-G-T. GRCh37 (hg19) VCF-style: chr9-133967168-G-T.
Other names: short protein forms W1574C.
Identifiers: ClinVar variation 1512726 (VCV001512726.6), dbSNP rs370327225, ClinGen allele CA5288261.

ClinVar aggregate classification (germline): Uncertain significance (1 of 4 stars; one submission).

Allele frequency attached by ClinVar (database versions not stated): ExAC 0.00001; gnomAD 0.00001; gnomAD exomes 0.00001; TOPMed 0.00002; ESP Exome Variant Server 0.00008.
gnomAD v4.1: 7 of 1,612,244 alleles (0.00043%); highest among the groups gnomAD compares: Non-Finnish European, 0.00051%; no homozygotes.

Submission:

Labcorp Genetics (formerly Invitae), Labcorp
Classification: Uncertain significance. Last evaluated: 2025-08-21. Review status: criteria provided, single submitter. Criteria: Invitae Variant Classification Sherloc (09022015). Collection method: clinical testing. Allele origin: germline.
Comment: This sequence change replaces tryptophan, which is neutral and slightly polar, with cysteine, which is neutral and slightly polar, at codon 1574 of the LAMC3 protein (p.Trp1574Cys). The frequency data for this variant in the population databases is considered unreliable, as metrics indicate poor data quality at this position in the gnomAD database. This variant has not been reported in the literature in individuals affected with LAMC3-related conditions. ClinVar contains an entry for this variant (Variation ID: 1512726). An algorithm developed to predict the effect of missense changes on protein structure and function (PolyPhen-2) suggests that this variant is likely to be disruptive. Algorithms developed to predict the effect of sequence changes on RNA splicing suggest that this variant may create or strengthen a splice site. In summary, the available evidence is currently insufficient to determine the role of this variant in disease. Therefore, it has been classified as a Variant of Uncertain Significance.